The following is an entry in ClinVar:

ClinVar aggregate classification (germline): Likely pathogenic (1 of 4 stars; one submission).

Submission:

GeneDx
Classification: Likely pathogenic. Last evaluated: 2014-05-02. Review status: criteria provided, single submitter. Criteria: GeneDx Variant Classification (06012015). Collection method: clinical testing. Allele origin: germline. Affected: yes.
Comment: This variant is denoted p.Asp3Val (GAC>GTC): c.8 A>T in exon 1 of the TNNC1 gene (NM_003280.2). The D3V variant has not been published as a mutation, nor has it been reported as a benign polymorphism to our knowledge. The D3V variant was not observed in approximately 6500 individuals of European and African American ancestry in the NHLBI Exome Sequencing Project, indicating it is not a common benign variant in these populations. The D3V variant is a non-conservative amino acid substitution, which is likely to impact secondary protein structure as these residues differ in polarity, charge, size and/or other properties. This substitution occurs at a position that is conserved across species. In silico analysis predicts this variant is probably damaging to the protein structure/function. Missense mutations in nearby residues (Y5H, A8V) have been reported in association with cardiomyopathy, supporting the functional importance of this region of the protein. Therefore, this variant is a strong candidate for a pathogenic mutation, however the possibility that it is a benign variant cannot be excluded. The variant is found in CARDIOMYOPATHY panel(s).

NM_003280.3(TNNC1):c.8A>T (p.Asp3Val)

Gene: TNNC1 (troponin C1, slow skeletal and cardiac type; minus strand). Cytogenetic location: 3p21.1.
Variant type: single nucleotide variant.
Coding change: c.8A>T on transcript NM_003280.3 (MANE Select); coding-DNA position 8, A replaced by T.
Protein change: p.Asp3Val; replaces aspartic acid 3 with valine.
Molecular consequence: missense variant.
Genome position (GRCh38, 1-based): chr3:52,454,008, T>A on the plus strand (A>T on the coding strand, the complement: TNNC1 is on the minus strand). VCF-style: chr3-52454008-T-A. GRCh37 (hg19) VCF-style: chr3-52488024-T-A.
Other names: p.D3V:GAC>GTC; c.8A>T (LRG_378t1); short protein forms D3V.
Identifiers: ClinVar variation 181570 (VCV000181570.2), dbSNP rs730881063, ClinGen allele CA297337.